The following is an entry in ClinVar:

NM_003193.5(TBCE):c.1423_1455dup (p.Pro485_Val486insLysGlyLeuLeuSerArgLeuLeuLysValPro)

Genes: B3GALNT2 (beta-1,3-N-acetylgalactosaminyltransferase 2; minus strand), TBCE (tubulin folding cofactor E; plus strand). Cytogenetic location: 1q42.3.
Variant type: Duplication.
Coding change: c.1423_1455dup on transcript NM_003193.5 (MANE Select); coding-DNA positions 1423 to 1455, 33 bases duplicated.
Protein change: p.Pro485_Val486insLysGlyLeuLeuSerArgLeuLeuLysValPro.
Molecular consequence: inframe insertion. On other transcripts: 3 prime UTR variant (1).
Genome position (GRCh38, 1-based): chr1:235,448,372-235,448,404, 33 bases duplicated. GRCh37 (hg19): chr1:235,611,687-235,611,719.
Other names: c.*1802_*1834dup (NM_152490.5); c.1423_1455dup, p.Pro485_Val486insLysGlyLeuLeuSerArgLeuLeuLysValPro (NM_001079515.3); c.1576_1608dup, p.Pro536_Val537insLysGlyLeuLeuSerArgLeuLeuLysValPro (NM_001287801.2); c.1084_1116dup, p.Pro372_Val373insLysGlyLeuLeuSerArgLeuLeuLysValPro (NM_001287802.2).
Identifiers: ClinVar variation 1491529 (VCV001491529.7), dbSNP rs1478154983, ClinGen allele CA529650586.

ClinVar aggregate classification (germline): Uncertain significance. Review status: criteria provided, multiple submitters, no conflicts (2 of 4 stars). 3 submissions from 3 submitters: Uncertain significance (3). Last evaluated 2022-09-20.

Conditions:
Inborn genetic diseases. Identifiers: MedGen C0950123, MeSH D030342.

Allele frequency attached by ClinVar (database versions not stated): gnomAD exomes below 0.00001 and 0.00001.

Submissions (3):

GeneDx
Classification: Uncertain significance. Last evaluated: 2022-09-20. Review status: criteria provided, single submitter. Criteria: GeneDx Variant Classification Process June 2021. Collection method: clinical testing. Allele origin: germline. Affected: yes.
Comment: Not observed at significant frequency in large population cohorts (gnomAD); In-frame duplication of 11 amino acids in a non-repeat region; Has not been previously published as pathogenic or benign to our knowledge

Labcorp Genetics (formerly Invitae), Labcorp
Classification: Uncertain significance. Last evaluated: 2022-09-01. Review status: criteria provided, single submitter. Criteria: Invitae Variant Classification Sherloc (09022015). Collection method: clinical testing. Allele origin: germline.
Comment: This variant, c.1423_1455dup, results in the insertion of 11 amino acid(s) of the TBCE protein (p.Lys475_Pro485dup), but otherwise preserves the integrity of the reading frame. This variant is present in population databases (no rsID available, gnomAD 0.002%). This variant has not been reported in the literature in individuals affected with TBCE-related conditions. ClinVar contains an entry for this variant (Variation ID: 1491529). Algorithms developed to predict the effect of sequence changes on RNA splicing suggest that this variant may create or strengthen a splice site. In summary, the available evidence is currently insufficient to determine the role of this variant in disease. Therefore, it has been classified as a Variant of Uncertain Significance.

Ambry Genetics
Classification: Uncertain significance for Inborn genetic diseases. Last evaluated: 2021-10-05. Review status: criteria provided, single submitter. Criteria: Ambry Variant Classification Scheme 2023. Collection method: clinical testing. Allele origin: germline.
Comment: The c.1423_1455dupAAGGGATTGCTGTCACGTCTTCTCAAAGTTCCT (p.K475_P485dup) alteration is located in exon 16 (coding exon 15) of the TBCE gene. The alteration consists of an in-frame duplication of 33 nucleotides from position 1423 to 1455, resulting in the duplication of <NA> residues. Based on insufficient or conflicting evidence, the clinical significance of this alteration remains unclear.